The following is an entry in ClinVar:

NM_003482.4(KMT2D):c.5150A>C (p.Gln1717Pro)

Gene: KMT2D (lysine methyltransferase 2D; minus strand). Cytogenetic location: 12q13.12.
Variant type: single nucleotide variant.
Coding change: c.5150A>C on transcript NM_003482.4 (MANE Select); coding-DNA position 5150, A replaced by C.
Protein change: p.Gln1717Pro; replaces glutamine 1717 with proline.
Molecular consequence: missense variant.
Genome position (GRCh38, 1-based): chr12:49,044,238, T>G on the plus strand (A>C on the coding strand, the complement: KMT2D is on the minus strand). VCF-style: chr12-49044238-T-G. GRCh37 (hg19) VCF-style: chr12-49438021-T-G.
Other names: short protein forms Q1717P.
Identifiers: ClinVar variation 4537191 (VCV004537191.2).

ClinVar aggregate classification (germline): Uncertain significance. Review status: criteria provided, multiple submitters, no conflicts (2 of 4 stars). 2 submissions from 2 submitters: Uncertain significance (2). Last evaluated 2025-11-25.

gnomAD v4.1: 1 of 1,612,350 alleles (0.000062%); highest among the groups gnomAD compares: Non-Finnish European, 0.000085%; no homozygotes.

Submissions (2):

Women's Health and Genetics/Laboratory Corporation of America, LabCorp
Classification: Uncertain significance. Last evaluated: 2025-11-25. Review status: criteria provided, single submitter. Criteria: LabCorp Variant Classification Summary - May 2015. Collection method: clinical testing. Allele origin: germline.
Comment: Variant summary: KMT2D c.5150A>C (p.Gln1717Pro) results in a non-conservative amino acid change in the encoded protein sequence. Algorithms developed to predict the effect of missense changes on protein structure and function are either unavailable or do not agree on the potential impact of this missense change. The variant was absent in 248998 control chromosomes. The available data on variant occurrences in the general population are insufficient to allow any conclusion about variant significance. To our knowledge, no occurrence of c.5150A>C in individuals affected with KMT2D-related conditions and no experimental evidence demonstrating its impact on protein function have been reported. No submitters have cited clinical-significance assessments for this variant to ClinVar. Based on the evidence outlined above, the variant was classified as uncertain significance.

Blueprint Genetics
Classification: Uncertain significance. Last evaluated: 2022-02-08. Review status: criteria provided, single submitter. Criteria: ACMG Guidelines, 2015. Collection method: clinical testing. Allele origin: germline.